The following is an entry in ClinVar:

NM_000969.5(RPL5):c.831G>T (p.Lys277Asn)

Genes: DIPK1A (divergent protein kinase domain 1A; minus strand), RPL5 (ribosomal protein L5; plus strand). Cytogenetic location: 1p22.1.
Variant type: single nucleotide variant.
Coding change: c.831G>T on transcript NM_000969.5 (MANE Select); coding-DNA position 831, G replaced by T.
Protein change: p.Lys277Asn; replaces lysine 277 with asparagine.
Molecular consequence: missense variant. On other transcripts: non-coding transcript variant (1), intron variant (1).
Genome position (GRCh38, 1-based): chr1:92,841,802, G>T. VCF-style: chr1-92841802-G-T. GRCh37 (hg19) VCF-style: chr1-93307359-G-T.
Other names: c.474+5381C>A (NM_001252273.2); short protein forms K277N.
Identifiers: ClinVar variation 3019987 (VCV003019987.3), dbSNP rs758483322, ClinGen allele CA341244066.
Genomic context (GRCh38, chr1:92,841,802, plus strand): 5'-AATATATATTCCTATCTTTTGTAGGTGGAACCGTCCCAAAATGTCCCTTGCTCAGAAGAA[G>T]GATCGGGTAGCTCAAAAGAAGGCAAGCTTCCTCAGAGCTCAGGAGCGGGCTGCTGAGAGC-3'
Protein context (NP_000960.2, residues 267-287): NRPKMSLAQK[Lys277Asn]DRVAQKKASF

ClinVar aggregate classification (germline): Uncertain significance (1 of 4 stars; one submission).

Conditions:
Diamond-Blackfan anemia. Also called: Blackfan Diamond syndrome; Aregenerative anemia chronic congenital; Red cell aplasia, pure hereditary; Congenital hypoplastic anemia; Aase syndrome. Identifiers: Orphanet 124, MedGen C1260899, MeSH D029503, MONDO:0015253, HP:0004810.

Submission:

Labcorp Genetics (formerly Invitae), Labcorp
Classification: Uncertain significance for Diamond-Blackfan anemia. Last evaluated: 2023-11-04. Review status: criteria provided, single submitter. Criteria: Invitae Variant Classification Sherloc (09022015). Collection method: clinical testing. Allele origin: germline.
Comment: This sequence change replaces lysine, which is basic and polar, with asparagine, which is neutral and polar, at codon 277 of the RPL5 protein (p.Lys277Asn). This variant is not present in population databases (gnomAD no frequency). This variant has not been reported in the literature in individuals affected with RPL5-related conditions. Advanced modeling of protein sequence and biophysical properties (such as structural, functional, and spatial information, amino acid conservation, physicochemical variation, residue mobility, and thermodynamic stability) performed at Invitae indicates that this missense variant is not expected to disrupt RPL5 protein function with a negative predictive value of 80%. In summary, the available evidence is currently insufficient to determine the role of this variant in disease. Therefore, it has been classified as a Variant of Uncertain Significance.